The following is an entry in ClinVar:

NM_006842.3(SF3B2):c.378T>C (p.Asn126=)

Gene: SF3B2 (splicing factor 3b subunit 2; plus strand). Cytogenetic location: 11q13.1.
Variant type: single nucleotide variant.
Coding change: c.378T>C on transcript NM_006842.3 (MANE Select); coding-DNA position 378, T replaced by C.
Protein change: p.Asn126=; no amino-acid change (asparagine 126 retained).
Molecular consequence: synonymous variant.
Genome position (GRCh38, 1-based): chr11:66,055,195, T>C. VCF-style: chr11-66055195-T-C. GRCh37 (hg19) VCF-style: chr11-65822666-T-C.
Identifiers: ClinVar variation 4534389 (VCV004534389.6).
Genomic context (GRCh38, chr11:66,055,195, plus strand): 5'-GCCACCCCCACCACCTCCACCAGGCCTTGGCCTTGGCTTTCCTATGGCCCACCCACCAAA[T>C]TTGGGGCCCCCGCCTCCTCTCCGTGTGGGTGAGCCAGTGGCACTGTCAGAGGAGGAGCGG-3'
Protein context (NP_006833.2, residues 116-136): GLGFPMAHPP[Asn126=]LGPPPPLRVG

ClinVar aggregate classification (germline): Likely benign (1 of 4 stars; one submission).

gnomAD v4.1: 975 of 1,502,502 alleles (0.065%); highest among the groups gnomAD compares: Non-Finnish European, 0.081%; 1 homozygote.

Submission:

CeGaT Center for Human Genetics Tuebingen
Classification: Likely benign. Last evaluated: 2025-10-01. Review status: criteria provided, single submitter. Criteria: CeGaT Center For Human Genetics Tuebingen Variant Classification Criteria Version 2. Collection method: clinical testing. Allele origin: germline. Affected: yes. Observed: 1 variant allele.
Comment: SF3B2: BP4, BP7